The following is an entry in ClinVar:

ClinVar aggregate classification (germline): Uncertain significance. Review status: criteria provided, multiple submitters, no conflicts (2 of 4 stars). 2 submissions from 2 submitters: Uncertain significance (2). Last evaluated 2025-09-05.

Conditions:
Wilson disease (WND). Also called: Wilson's disease. Identifiers: Orphanet 905, MedGen C0019202, MONDO:0010200, OMIM 277900. Disease mechanism: loss of function.

Submissions (2):

Color Diagnostics, LLC DBA Color Health
Classification: Uncertain significance for Wilson disease. Last evaluated: 2025-09-05. Review status: criteria provided, single submitter. Criteria: ACMG Guidelines, 2015. Collection method: clinical testing. Allele origin: germline.
Comment: This missense variant replaces cysteine with tyrosine at codon 72 of the ATP7B protein. Computational prediction suggests that this variant may have deleterious impact on protein structure and function. To our knowledge, functional studies have not been reported for this variant. This variant has not been reported in individuals affected with ATP7B-related disorders in the literature. This variant has not been identified in the general population by the Genome Aggregation Database (gnomAD). The available evidence is insufficient to determine the role of this variant in disease conclusively. Therefore, this variant is classified as a Variant of Uncertain Significance.

Labcorp Genetics (formerly Invitae), Labcorp
Classification: Uncertain significance for Wilson disease. Last evaluated: 2024-10-18. Review status: criteria provided, single submitter. Criteria: Invitae Variant Classification Sherloc (09022015). Collection method: clinical testing. Allele origin: germline.
Comment: This sequence change replaces cysteine, which is neutral and slightly polar, with tyrosine, which is neutral and polar, at codon 72 of the ATP7B protein (p.Cys72Tyr). This variant is not present in population databases (gnomAD no frequency). This variant has not been reported in the literature in individuals affected with ATP7B-related conditions. ClinVar contains an entry for this variant (Variation ID: 1945908). Invitae Evidence Modeling of protein sequence and biophysical properties (such as structural, functional, and spatial information, amino acid conservation, physicochemical variation, residue mobility, and thermodynamic stability) indicates that this missense variant is expected to disrupt ATP7B protein function with a positive predictive value of 95%. In summary, the available evidence is currently insufficient to determine the role of this variant in disease. Therefore, it has been classified as a Variant of Uncertain Significance.

NM_000053.4(ATP7B):c.215G>A (p.Cys72Tyr)

Gene: ATP7B (ATPase copper transporting beta; minus strand). Cytogenetic location: 13q14.3.
Variant type: single nucleotide variant.
Coding change: c.215G>A on transcript NM_000053.4 (MANE Select); coding-DNA position 215, G replaced by A.
Protein change: p.Cys72Tyr; replaces cysteine 72 with tyrosine.
Molecular consequence: missense variant.
Genome position (GRCh38, 1-based): chr13:51,975,005, C>T on the plus strand (G>A on the coding strand, the complement: ATP7B is on the minus strand). VCF-style: chr13-51975005-C-T. GRCh37 (hg19) VCF-style: chr13-52549141-C-T.
Other names: c.215G>A, p.Cys72Tyr (NM_001005918.3, NM_001243182.2, NM_001330578.2 and 30 more transcripts); c.119G>A, p.Cys40Tyr (NM_001406517.1, NM_001406518.1, NM_001406530.1 and 4 more transcripts); short protein forms C72Y, C40Y.
Identifiers: ClinVar variation 1945908 (VCV001945908.5), dbSNP rs1952035759, ClinGen allele CA388044936.